The following is an entry in ClinVar:

NM_004104.5(FASN):c.4043T>C (p.Leu1348Pro)

Gene: FASN (fatty acid synthase; minus strand). Cytogenetic location: 17q25.3.
Variant type: single nucleotide variant.
Coding change: c.4043T>C on transcript NM_004104.5 (MANE Select); coding-DNA position 4043, T replaced by C.
Protein change: p.Leu1348Pro; replaces leucine 1348 with proline.
Molecular consequence: missense variant.
Genome position (GRCh38, 1-based): chr17:82,085,561, A>G on the plus strand (T>C on the coding strand, the complement: FASN is on the minus strand). VCF-style: chr17-82085561-A-G. GRCh37 (hg19) VCF-style: chr17-80043437-A-G.
Other names: short protein forms L1348P.
Identifiers: ClinVar variation 1004004 (VCV001004004.8), dbSNP rs766588417, ClinGen allele CA8852223.

ClinVar aggregate classification (germline): Uncertain significance (1 of 4 stars; one submission).

Conditions:
Epileptic encephalopathy. Identifiers: MedGen C0543888, HP:0200134.

Allele frequency attached by ClinVar (database versions not stated): gnomAD exomes below 0.00001; ExAC 0.00002.
gnomAD v4.1: 3 of 1,595,984 alleles (0.00019%); highest among the groups gnomAD compares: African/African-American, 0.0013%; no homozygotes.

Submission:

Labcorp Genetics (formerly Invitae), Labcorp
Classification: Uncertain significance for Epileptic encephalopathy. Last evaluated: 2025-07-21. Review status: criteria provided, single submitter. Criteria: Invitae Variant Classification Sherloc (09022015). Collection method: clinical testing. Allele origin: germline.
Comment: This sequence change replaces leucine, which is neutral and non-polar, with proline, which is neutral and non-polar, at codon 1348 of the FASN protein (p.Leu1348Pro). This variant is present in population databases (rs766588417, gnomAD 0.001%). This variant has not been reported in the literature in individuals affected with FASN-related conditions. ClinVar contains an entry for this variant (Variation ID: 1004004). An algorithm developed to predict the effect of missense changes on protein structure and function (PolyPhen-2) suggests that this variant is likely to be disruptive. In summary, the available evidence is currently insufficient to determine the role of this variant in disease. Therefore, it has been classified as a Variant of Uncertain Significance.